The following is an entry in ClinVar:

ClinVar aggregate classification (germline): Uncertain significance (1 of 4 stars; one submission).

Conditions:
Familial sleep-related hypermotor epilepsy. Also called: Autosomal Dominant Sleep-Related Hypermotor (Hyperkinetic) Epilepsy. Identifiers: Orphanet 98784, MedGen C3696898, MONDO:0000030.

Allele frequency attached by ClinVar (database versions not stated): gnomAD 0.00001; TOPMed 0.00001; gnomAD exomes below 0.00001.

Submission:

Labcorp Genetics (formerly Invitae), Labcorp
Classification: Uncertain significance. Last evaluated: 2023-10-16. Review status: criteria provided, single submitter. Criteria: Invitae Variant Classification Sherloc (09022015). Collection method: clinical testing. Allele origin: germline.
Comment: This sequence change affects codon 501 of the CHRNB2 mRNA. It is a 'silent' change, meaning that it does not change the encoded amino acid sequence of the CHRNB2 protein. This variant is not present in population databases (gnomAD no frequency). This variant has not been reported in the literature in individuals affected with CHRNB2-related conditions. Algorithms developed to predict the effect of sequence changes on RNA splicing suggest that this variant may disrupt the consensus splice site. In summary, the available evidence is currently insufficient to determine the role of this variant in disease. Therefore, it has been classified as a Variant of Uncertain Significance.

NM_000748.3(CHRNB2):c.1503C>G (p.Ser501=)

Gene: CHRNB2 (cholinergic receptor nicotinic beta 2 subunit; plus strand). Cytogenetic location: 1q21.3.
Variant type: single nucleotide variant.
Coding change: c.1503C>G on transcript NM_000748.3 (MANE Select); coding-DNA position 1503, C replaced by G.
Protein change: p.Ser501=; no amino-acid change (serine 501 retained).
Molecular consequence: synonymous variant.
Genome position (GRCh38, 1-based): chr1:154,575,926, C>G. VCF-style: chr1-154575926-C-G. GRCh37 (hg19) VCF-style: chr1-154548402-C-G.
Identifiers: ClinVar variation 2768942 (VCV002768942.3), dbSNP rs1696264601, ClinGen allele CA420971250.
Genomic context (GRCh38, chr1:154,575,926, plus strand): 5'-TCTCTTCCAGAACTACACCACCACCACCTTCCTCCACTCAGACCACTCAGCCCCCAGCTC[C>G]AAGTGAGGCCCTTCCTCATCTCCATGCTCTTTCACCCTGCCACCCTCTGCTGCACAGTAG-3'
Protein context (NP_000739.1, residues 491-502): FLHSDHSAPS[Ser501=]K